The following is an entry in ClinVar:

ClinVar aggregate classification (germline): Likely benign (1 of 4 stars; one submission).

gnomAD v4.1: 77 of 1,612,792 alleles (0.0048%); highest among the groups gnomAD compares: Middle Eastern, 0.017%; no homozygotes.

Submission:

CeGaT Center for Human Genetics Tuebingen
Classification: Likely benign. Last evaluated: 2025-12-01. Review status: criteria provided, single submitter. Criteria: CeGaT Center For Human Genetics Tuebingen Variant Classification Criteria Version 2. Collection method: clinical testing. Allele origin: germline. Affected: yes. Observed: 1 variant allele.
Comment: WASF1: BP4, BP7

NM_003931.3(WASF1):c.1638G>A (p.Ser546=)

Gene: WASF1 (WASP family member 1; minus strand). Cytogenetic location: 6q21.
Variant type: single nucleotide variant.
Coding change: c.1638G>A on transcript NM_003931.3 (MANE Select); coding-DNA position 1638, G replaced by A.
Protein change: p.Ser546=; no amino-acid change (serine 546 retained).
Molecular consequence: synonymous variant.
Genome position (GRCh38, 1-based): chr6:110,100,564, C>T on the plus strand (G>A on the coding strand, the complement: WASF1 is on the minus strand). VCF-style: chr6-110100564-C-T. GRCh37 (hg19) VCF-style: chr6-110421767-C-T.
Other names: c.1638G>A, p.Ser546= (NM_001024934.2, NM_001024935.2, NM_001024936.2).
Identifiers: ClinVar variation 4681469 (VCV004681469.5).